The following is an entry in ClinVar:

NM_014975.3(MAST1):c.1398T>C (p.Ile466=)

Gene: MAST1 (microtubule associated serine/threonine kinase 1; plus strand). Cytogenetic location: 19p13.13.
Variant type: single nucleotide variant.
Coding change: c.1398T>C on transcript NM_014975.3 (MANE Select); coding-DNA position 1398, T replaced by C.
Protein change: p.Ile466=; no amino-acid change (isoleucine 466 retained).
Molecular consequence: synonymous variant.
Genome position (GRCh38, 1-based): chr19:12,864,840, T>C. VCF-style: chr19-12864840-T-C. GRCh37 (hg19) VCF-style: chr19-12975654-T-C.
Identifiers: ClinVar variation 3054418 (VCV003054418.2), dbSNP rs570425880, ClinGen allele CA9232897.

ClinVar aggregate classification (germline): Likely benign (0 of 4 stars; one submission).

Conditions:
MAST1-related disorder. Also called: MAST1-related condition.

Allele frequency attached by ClinVar (database versions not stated): gnomAD exomes below 0.00001; TOPMed below 0.00001; ExAC 0.00001; gnomAD 0.00001.
gnomAD v4.1: 4 of 1,613,928 alleles (0.00025%); highest among the groups gnomAD compares: Non-Finnish European, 0.00025%; no homozygotes.

Submission:

PreventionGenetics, part of Exact Sciences
Classification: Likely benign for MAST1-related condition. Last evaluated: 2020-05-11. Review status: no assertion criteria provided. Collection method: clinical testing. Allele origin: germline.
Comment: This variant is classified as likely benign based on ACMG/AMP sequence variant interpretation guidelines (Richards et al. 2015 PMID: 25741868, with internal and published modifications).